The following is an entry in ClinVar:

ClinVar aggregate classification (germline): Pathogenic. Review status: reviewed by expert panel (3 of 4 stars). 2 submissions from 2 submitters: Pathogenic (1). 1 of the submissions does not count toward it. Last evaluated 2016-09-08.

Conditions:
Breast-ovarian cancer, familial, susceptibility to, 2 (BROVCA2). Also called: BRCA2 Hereditary Breast and Ovarian Cancer. Identifiers: Orphanet 145, MedGen C2675520, MONDO:0012933, OMIM 612555. Disease mechanism: loss of function.

Submissions (2):

Evidence-based Network for the Interpretation of Germline Mutant Alleles (ENIGMA)
Classification: Pathogenic for Breast-ovarian cancer, familial, susceptibility to, 2. Last evaluated: 2016-09-08. Review status: reviewed by expert panel. Criteria: ENIGMA BRCA1/2 Classification Criteria (2015). Collection method: curation. Allele origin: germline.
Comment: Variant allele predicted to encode a truncated non-functional protein.

Sharing Clinical Reports Project (SCRP)
Classification: Pathogenic for Breast-ovarian cancer, familial 2. Last evaluated: 2011-09-21. Review status: no assertion criteria provided. Collection method: clinical testing. Allele origin: germline. Not counted in ClinVar's aggregate classification.

NM_000059.4(BRCA2):c.4921_4924del (p.Glu1641fs)

Gene: BRCA2 (BRCA2 DNA repair associated; plus strand). Cytogenetic location: 13q13.1.
Variant type: Deletion.
Coding change: c.4921_4924del on transcript NM_000059.4 (MANE Select); coding-DNA positions 4921 to 4924, 4 bases deleted (GAAA; older notation c.4921_4924delGAAA).
Protein change: p.Glu1641fs; shifts the reading frame from glutamic acid 1641.
Molecular consequence: frameshift variant.
Genome position (GRCh38, 1-based): chr13:32,339,276-32,339,279, GAAA deleted. VCF-style (leftmost placement, unchanged base first): chr13-32339275-TGAAA-T. GRCh37 (hg19) VCF-style: chr13-32913412-TGAAA-T.
Other names: 5149del4; c.4921_4924delGAAA (NM_000059.3); short protein forms E1641fs.
Identifiers: ClinVar variation 37933 (VCV000037933.2), dbSNP rs397507344, ClinGen allele CA021008.